The following is an entry in ClinVar:

ClinVar aggregate classification (germline): Uncertain significance (1 of 4 stars; one submission).

Conditions:
Hereditary cancer-predisposing syndrome. Also called: Hereditary neoplastic syndrome; Tumor predisposition; Hereditary Cancer Syndrome; Neoplastic Syndromes, Hereditary. Identifiers: Orphanet 140162, MedGen C0027672, MeSH D009386, MONDO:0015356.

Submission:

Ambry Genetics
Classification: Uncertain significance for Hereditary cancer-predisposing syndrome. Last evaluated: 2023-08-24. Review status: criteria provided, single submitter. Criteria: Ambry Variant Classification Scheme 2023. Collection method: clinical testing. Allele origin: germline.
Comment: The p.N43S variant (also known as c.128A>G), located in coding exon 1 of the APC gene, results from an A to G substitution at nucleotide position 128. The asparagine at codon 43 is replaced by serine, an amino acid with highly similar properties. This amino acid position is highly conserved in available vertebrate species. In addition, in silico predictors for this gene do not accurately predict pathogenicity. Since supporting evidence is limited at this time, the clinical significance of this alteration remains unclear.

NM_000038.6(APC):c.128A>G (p.Asn43Ser)

Gene: APC (APC regulator of Wnt signaling pathway; plus strand). Cytogenetic location: 5q22.2.
Variant type: single nucleotide variant.
Coding change: c.128A>G on transcript NM_000038.6 (MANE Select); coding-DNA position 128, A replaced by G.
Protein change: p.Asn43Ser; replaces asparagine 43 with serine.
Molecular consequence: missense variant. On other transcripts: 5 prime UTR variant (4), non-coding transcript variant (2), intron variant (11).
Genome position (GRCh38, 1-based): chr5:112,755,018, A>G. VCF-style: chr5-112755018-A-G. GRCh37 (hg19) VCF-style: chr5-112090715-A-G.
Other names: c.128A>G, p.Asn43Ser (NM_001127510.3, NM_001354895.2, NM_001354896.2 and 16 more transcripts); c.-908A>G (NM_001354906.2, NM_001407470.1, NM_001407471.1 and 1 more transcripts); c.166-11308A>G (NM_001407446.1, NM_001354897.2, NM_001354902.2 and 1 more transcripts); c.-42-11308A>G (NM_001407453.1, NM_001354900.2, NM_001354901.2 and 1 more transcripts); c.61-11308A>G (NM_001407451.1, NM_001354898.2, NM_001354904.2); short protein forms N43S.
Identifiers: ClinVar variation 2587028 (VCV002587028.2), dbSNP rs2532139488, ClinGen allele CA16021621.